The following is an entry in ClinVar:

NM_001042492.3(NF1):c.7309G>A (p.Ala2437Thr)

Gene: NF1 (neurofibromin 1; plus strand). Cytogenetic location: 17q11.2.
Variant type: single nucleotide variant.
Coding change: c.7309G>A on transcript NM_001042492.3 (MANE Select); coding-DNA position 7309, G replaced by A.
Protein change: p.Ala2437Thr; replaces alanine 2437 with threonine.
Molecular consequence: missense variant.
Genome position (GRCh38, 1-based): chr17:31,349,239, G>A. VCF-style: chr17-31349239-G-A. GRCh37 (hg19) VCF-style: chr17-29676257-G-A.
Other names: c.7246G>A, p.Ala2416Thr (NM_000267.4); short protein forms A2416T, A2437T.
Identifiers: ClinVar variation 1980294 (VCV001980294.4), dbSNP rs755478412, ClinGen allele CA399016906.

ClinVar aggregate classification (germline): Uncertain significance (1 of 4 stars; one submission).

Conditions:
Neurofibromatosis, type 1 (NF1). Also called: Peripheral type neurofibromatosis; VON RECKLINGHAUSEN DISEASE; Neurofibromatosis, type I; NEUROFIBROMATOSIS, TYPE I, SOMATIC. Identifiers: Orphanet 636, MedGen C0027831, MONDO:0018975, OMIM 162200. Disease mechanism: loss of function.

Submission:

Labcorp Genetics (formerly Invitae), Labcorp
Classification: Uncertain significance for Neurofibromatosis, type 1. Last evaluated: 2023-08-05. Review status: criteria provided, single submitter. Criteria: Invitae Variant Classification Sherloc (09022015). Collection method: clinical testing. Allele origin: germline.
Comment: This variant has not been reported in the literature in individuals affected with NF1-related conditions. This sequence change replaces alanine, which is neutral and non-polar, with threonine, which is neutral and polar, at codon 2416 of the NF1 protein (p.Ala2416Thr). This variant is not present in population databases (gnomAD no frequency). ClinVar contains an entry for this variant (Variation ID: 1980294). Advanced modeling of protein sequence and biophysical properties (such as structural, functional, and spatial information, amino acid conservation, physicochemical variation, residue mobility, and thermodynamic stability) has been performed at Invitae for this missense variant, however the output from this modeling did not meet the statistical confidence thresholds required to predict the impact of this variant on NF1 protein function. In summary, the available evidence is currently insufficient to determine the role of this variant in disease. Therefore, it has been classified as a Variant of Uncertain Significance.